The following is an entry in ClinVar:

ClinVar aggregate classification (germline): Pathogenic/Likely pathogenic. Review status: criteria provided, multiple submitters, no conflicts (2 of 4 stars). 2 submissions from 2 submitters: Pathogenic (1); Likely pathogenic (1). Last evaluated 2025-05-27.

Conditions:
Cohen syndrome (COH1). Also called: PEPPER SYNDROME; Cutis verticis gyrata, retinitis pigmentosa, and sensorineural deafness. Identifiers: Orphanet 193, MedGen C0265223, MONDO:0008999, OMIM 216550.

Submissions (2):

Labcorp Genetics (formerly Invitae), Labcorp
Classification: Pathogenic for Cohen syndrome. Last evaluated: 2025-05-27. Review status: criteria provided, single submitter. Criteria: Invitae Variant Classification Sherloc (09022015). Collection method: clinical testing. Allele origin: germline.
Comment: This sequence change creates a premature translational stop signal (p.Gln2576*) in the VPS13B gene. It is expected to result in an absent or disrupted protein product. Loss-of-function variants in VPS13B are known to be pathogenic (PMID: 15141358, 16648375, 20461111). This variant is not present in population databases (gnomAD no frequency). This variant has not been reported in the literature in individuals affected with VPS13B-related conditions. ClinVar contains an entry for this variant (Variation ID: 1217353). For these reasons, this variant has been classified as Pathogenic.

Genome-Nilou Lab
Classification: Likely pathogenic for Cohen syndrome. Last evaluated: 2021-07-22. Review status: criteria provided, single submitter. Criteria: ACMG Guidelines, 2015. Collection method: clinical testing. Allele origin: germline. Affected: no.

Literature cited by the submitters: PubMed 15141358 (cited by Labcorp Genetics (formerly Invitae), Labcorp); PubMed 16648375 (cited by Labcorp Genetics (formerly Invitae), Labcorp); PubMed 20461111 (cited by Labcorp Genetics (formerly Invitae), Labcorp).

NM_152564.5(VPS13B):c.7651C>T (p.Gln2551Ter)

Gene: VPS13B (vacuolar protein sorting 13 homolog B; plus strand). Cytogenetic location: 8q22.2.
Variant type: single nucleotide variant.
Coding change: c.7651C>T on transcript NM_152564.5 (MANE Select); coding-DNA position 7651, C replaced by T.
Protein change: p.Gln2551Ter; replaces glutamine 2551 with a stop codon.
Molecular consequence: nonsense.
Genome position (GRCh38, 1-based): chr8:99,778,903, C>T. VCF-style: chr8-99778903-C-T. GRCh37 (hg19) VCF-style: chr8-100791131-C-T.
Other names: c.7726C>T, p.Gln2576Ter (NM_017890.5); short protein forms Q2551*, Q2576*.
Identifiers: ClinVar variation 1217353 (VCV001217353.6), dbSNP rs2130679206, ClinGen allele CA371876427.